The following is an entry in ClinVar:

ClinVar aggregate classification (germline): Uncertain significance (1 of 4 stars; one submission).

Conditions:
Catecholaminergic polymorphic ventricular tachycardia 1. Also called: VENTRICULAR TACHYCARDIA, CATECHOLAMINERGIC POLYMORPHIC, 1, WITH OR WITHOUT ATRIAL DYSFUNCTION AND/OR DILATED CARDIOMYOPATHY; RYR2-Related Catecholaminergic Polymorphic Ventricular Tachycardia; VENTRICULAR TACHYCARDIA, STRESS-INDUCED POLYMORPHIC 1. Identifiers: Orphanet 3286, MedGen C1631597, MONDO:0011484, OMIM 604772.

Submission:

Labcorp Genetics (formerly Invitae), Labcorp
Classification: Uncertain significance for Catecholaminergic polymorphic ventricular tachycardia 1. Last evaluated: 2025-12-11. Review status: criteria provided, single submitter. Criteria: Invitae Variant Classification Sherloc (09022015). Collection method: clinical testing. Allele origin: germline.
Comment: This sequence change replaces isoleucine, which is neutral and non-polar, with valine, which is neutral and non-polar, at codon 28 of the RYR2 protein (p.Ile28Val). This variant is not present in population databases (gnomAD no frequency). This variant has not been reported in the literature in individuals affected with RYR2-related conditions. Invitae Evidence Modeling of protein sequence and biophysical properties (such as structural, functional, and spatial information, amino acid conservation, physicochemical variation, residue mobility, and thermodynamic stability) indicates that this missense variant is not expected to disrupt RYR2 protein function with a negative predictive value of 95%. In summary, the available evidence is currently insufficient to determine the role of this variant in disease. Therefore, it has been classified as a Variant of Uncertain Significance.

NM_001035.3(RYR2):c.82A>G (p.Ile28Val)

Gene: RYR2 (ryanodine receptor 2; plus strand). Cytogenetic location: 1q43.
Variant type: single nucleotide variant.
Coding change: c.82A>G on transcript NM_001035.3 (MANE Select); coding-DNA position 82, A replaced by G.
Protein change: p.Ile28Val; replaces isoleucine 28 with valine.
Molecular consequence: missense variant.
Genome position (GRCh38, 1-based): chr1:237,270,530, A>G. VCF-style: chr1-237270530-A-G. GRCh37 (hg19) VCF-style: chr1-237433830-A-G.
Other names: short protein forms I28V.
Identifiers: ClinVar variation 4754084 (VCV004754084.1).